The following is an entry in ClinVar:

NM_001854.4(COL11A1):c.1792-39ATG[9]

Gene: COL11A1 (collagen type XI alpha 1 chain; minus strand). Cytogenetic location: 1p21.1.
Variant type: Microsatellite.
Coding change: c.1792-39ATG[9] on transcript NM_001854.4 (MANE Select); nine copies in a row of the 3-base unit ATG starting at c.1792-39; the reference has ten copies in a row; one copy, 3 bases deleted.
Molecular consequence: intron variant.
Genome position (GRCh38, 1-based): chr1:103,005,901-103,005,903, CAT deleted on the plus strand (ATG on the coding strand, the reverse complement: COL11A1 is on the minus strand); deleting any 3 consecutive bases within chr1:103,005,901-103,005,932 gives the same sequence; the position shown is the placement nearest the transcript's 3' end. VCF-style (leftmost placement, unchanged base first): chr1-103005900-CCAT-C. GRCh37 (hg19) VCF-style: chr1-103471456-CCAT-C.
Other names: p.?; c.1675-39ATG[9] (NM_001190709.2); c.1828-39ATG[9] (NM_080629.3); c.1444-39ATG[9] (NM_080630.4); c.1792-12_1792-10delATG (NM_001854.3, NM_001854.4); c.1792-12_1792-10del (NM_001854.4); c.1828-12_1828-10delATG (NM_080629.2).
Identifiers: ClinVar variation 93966 (VCV000093966.23), dbSNP rs71752747, ClinGen allele CA147518.

ClinVar aggregate classification (germline): Benign/Likely benign. Review status: criteria provided, multiple submitters, no conflicts (2 of 4 stars). 12 submissions from 9 submitters: Benign (11); Likely benign (1). Last evaluated 2026-05-08.

Conditions:
Hearing loss, autosomal dominant 37. Also called: DEAFNESS, AUTOSOMAL DOMINANT 37. Identifiers: MedGen C4760307, MONDO:0032802, OMIM 618533.
Fibrochondrogenesis 1 (FBCG1). Identifiers: Orphanet 2021, MedGen C3278138, MONDO:0009226, OMIM 228520.
Stickler syndrome type 2 (STL2). Also called: STICKLER SYNDROME, BEADED VITREOUS TYPE; STICKLER SYNDROME, VITREOUS TYPE 2; STICKLER SYNDROME, TYPE II; COL11A1-Related Stickler Syndrome. Identifiers: Orphanet 828, Orphanet 90654, MedGen C1858084, MONDO:0011493, OMIM 604841.
Marshall syndrome (MRSHS). Identifiers: Orphanet 560, MedGen C0265235, MONDO:0007949, OMIM 154780.

Submissions (12):

Women's Health and Genetics/Laboratory Corporation of America, LabCorp
Classification: Benign. Last evaluated: 2026-05-08. Review status: criteria provided, single submitter. Criteria: LabCorp Variant Classification Summary - May 2015. Collection method: clinical testing. Allele origin: germline.

Labcorp Genetics (formerly Invitae), Labcorp
Classification: Benign. Last evaluated: 2026-02-04. Review status: criteria provided, single submitter. Criteria: Invitae Variant Classification Sherloc (09022015). Collection method: clinical testing. Allele origin: germline.

Blueprint Genetics
Classification: Benign. Last evaluated: 2024-11-26. Review status: criteria provided, single submitter. Criteria: ACMG Guidelines, 2015. Collection method: clinical testing. Allele origin: germline.

Genome-Nilou Lab
Classification: Benign for Hearing loss, autosomal dominant 37. Last evaluated: 2021-07-22. Review status: criteria provided, single submitter. Criteria: ACMG Guidelines, 2015. Collection method: clinical testing. Allele origin: germline. Affected: no.

Genome-Nilou Lab
Classification: Benign for Fibrochondrogenesis 1. Last evaluated: 2021-07-22. Review status: criteria provided, single submitter. Criteria: ACMG Guidelines, 2015. Collection method: clinical testing. Allele origin: germline. Affected: no.

Genome-Nilou Lab
Classification: Benign for Marshall syndrome. Last evaluated: 2021-07-22. Review status: criteria provided, single submitter. Criteria: ACMG Guidelines, 2015. Collection method: clinical testing. Allele origin: germline. Affected: no.

Genome-Nilou Lab
Classification: Benign for Stickler syndrome type 2. Last evaluated: 2021-07-22. Review status: criteria provided, single submitter. Criteria: ACMG Guidelines, 2015. Collection method: clinical testing. Allele origin: germline. Affected: no.

Mayo Clinic Laboratories, Mayo Clinic
Classification: Benign. Last evaluated: 2019-05-23. Review status: criteria provided, single submitter. Criteria: ACMG Guidelines, 2015. Collection method: clinical testing. Allele origin: germline. Observed: 162 variant alleles.

GeneDx
Classification: Benign. Last evaluated: 2016-09-30. Review status: criteria provided, single submitter. Criteria: GeneDx Variant Classification Process June 2021. Collection method: clinical testing. Allele origin: germline. Affected: yes.

Laboratory for Molecular Medicine, Mass General Brigham Personalized Medicine
Classification: Benign. Last evaluated: 2016-03-29. Review status: criteria provided, single submitter. Criteria: LMM Criteria. Collection method: clinical testing. Allele origin: germline.
Comment: Variant identified in a genome or exome case(s) and assessed due to predicted null impact of the variant or pathogenic assertions in the literature or databases. Disclaimer: This variant has not undergone full assessment. The following are preliminary notes: Frequency

Eurofins Ntd Llc (ga)
Classification: Benign. Last evaluated: 2014-05-05. Review status: criteria provided, single submitter. Criteria: EGL Classification Definitions 2015. Collection method: clinical testing. Allele origin: germline. Observed: 5 variant alleles, 2 heterozygotes, 3 homozygotes.

PreventionGenetics, part of Exact Sciences
Classification: Likely benign. Review status: criteria provided, single submitter. Criteria: ACMG Guidelines, 2015. Collection method: clinical testing. Allele origin: germline.